The following is an entry in ClinVar:

ClinVar aggregate classification (germline): Uncertain significance (1 of 4 stars; one submission).

Allele frequency attached by ClinVar (database versions not stated): gnomAD 0.00001; TOPMed 0.00001.
gnomAD v4.1: 1 of 1,614,132 alleles (0.000062%); highest among the groups gnomAD compares: Non-Finnish European, 0.000085%; no homozygotes.

Submission:

Labcorp Genetics (formerly Invitae), Labcorp
Classification: Uncertain significance. Last evaluated: 2020-03-03. Review status: criteria provided, single submitter. Criteria: Invitae Variant Classification Sherloc (09022015). Collection method: clinical testing. Allele origin: germline.
Comment: This sequence change falls in intron 22 of the SNRNP200 gene. It does not directly change the encoded amino acid sequence of the SNRNP200 protein, but it affects a nucleotide within the consensus splice site of the intron. This variant is not present in population databases (ExAC no frequency). This variant has not been reported in the literature in individuals with SNRNP200-related conditions. Nucleotide substitutions within the consensus splice site are a relatively common cause of aberrant splicing (PMID: 17576681, 9536098). Algorithms developed to predict the effect of sequence changes on RNA splicing suggest that this variant may disrupt the consensus splice site, but this prediction has not been confirmed by published transcriptional studies. In summary, the available evidence is currently insufficient to determine the role of this variant in disease. Therefore, it has been classified as a Variant of Uncertain Significance.

Literature cited by the submitters: PubMed 17576681; PubMed 9536098.

NM_014014.5(SNRNP200):c.3093+5G>A

Gene: SNRNP200 (small nuclear ribonucleoprotein U5 subunit 200; minus strand). Cytogenetic location: 2q11.2.
Variant type: single nucleotide variant.
Coding change: c.3093+5G>A on transcript NM_014014.5 (MANE Select); 5 bases into the intron after coding-DNA position 3093, G replaced by A.
Molecular consequence: intron variant.
Genome position (GRCh38, 1-based): chr2:96,289,222, C>T on the plus strand (G>A on the coding strand, the complement: SNRNP200 is on the minus strand). VCF-style: chr2-96289222-C-T. GRCh37 (hg19) VCF-style: chr2-96954960-C-T.
Identifiers: ClinVar variation 1035678 (VCV001035678.7), dbSNP rs1368986737, ClinGen allele CA895724977.